The following is an entry in ClinVar:

ClinVar aggregate classification (germline): Uncertain significance. Review status: criteria provided, multiple submitters, no conflicts (2 of 4 stars). 3 submissions from 3 submitters: Uncertain significance (3). Last evaluated 2025-09-22.

Conditions:
Inborn genetic diseases. Identifiers: MedGen C0950123, MeSH D030342.
Congenital stationary night blindness 1E. Also called: Night blindness, congenital stationary (complete), 1E, autosomal recessive. Identifiers: Orphanet 215, MedGen C3281215, MONDO:0013807, OMIM 614565.

Allele frequency attached by ClinVar (database versions not stated): gnomAD 0.00003; gnomAD exomes 0.00003 and 0.00008; TOPMed 0.00003; ExAC 0.00008; ESP Exome Variant Server 0.00008.

Submissions (3):

Ambry Genetics
Classification: Uncertain significance for Inborn genetic diseases. Last evaluated: 2025-09-22. Review status: criteria provided, single submitter. Criteria: Ambry Variant Classification Scheme 2023. Collection method: clinical testing. Allele origin: germline.

Labcorp Genetics (formerly Invitae), Labcorp
Classification: Uncertain significance. Last evaluated: 2025-03-17. Review status: criteria provided, single submitter. Criteria: Invitae Variant Classification Sherloc (09022015). Collection method: clinical testing. Allele origin: germline.
Comment: This sequence change replaces proline, which is neutral and non-polar, with glutamine, which is neutral and polar, at codon 44 of the GPR179 protein (p.Pro44Gln). This variant is present in population databases (rs376962885, gnomAD 0.1%). This variant has not been reported in the literature in individuals affected with GPR179-related conditions. ClinVar contains an entry for this variant (Variation ID: 889636). An algorithm developed to predict the effect of missense changes on protein structure and function (PolyPhen-2) suggests that this variant is likely to be disruptive. In summary, the available evidence is currently insufficient to determine the role of this variant in disease. Therefore, it has been classified as a Variant of Uncertain Significance.

Illumina Laboratory Services, Illumina
Classification: Uncertain significance for Congenital stationary night blindness 1E. Last evaluated: 2018-01-13. Review status: criteria provided, single submitter. Criteria: ICSL Variant Classification Criteria 13 December 2019. Collection method: clinical testing. Allele origin: germline.

NM_001004334.4(GPR179):c.131C>A (p.Pro44Gln)

Gene: GPR179 (G protein-coupled receptor 179; minus strand). Cytogenetic location: 17q12.
Variant type: single nucleotide variant.
Coding change: c.131C>A on transcript NM_001004334.4 (MANE Select); coding-DNA position 131, C replaced by A.
Protein change: p.Pro44Gln; replaces proline 44 with glutamine.
Molecular consequence: missense variant.
Genome position (GRCh38, 1-based): chr17:38,343,659, G>T on the plus strand (C>A on the coding strand, the complement: GPR179 is on the minus strand). VCF-style: chr17-38343659-G-T. GRCh37 (hg19) VCF-style: chr17-36499542-G-T.
Other names: short protein forms P44Q.
Identifiers: ClinVar variation 889636 (VCV000889636.12), dbSNP rs376962885, ClinGen allele CA290111926.